The following is an entry in ClinVar:

NM_006031.6(PCNT):c.9394-3T>C

Gene: PCNT (pericentrin; plus strand). Cytogenetic location: 21q22.3.
Variant type: single nucleotide variant.
Coding change: c.9394-3T>C on transcript NM_006031.6 (MANE Select); 3 bases into the intron before coding-DNA position 9394, T replaced by C.
Molecular consequence: intron variant.
Genome position (GRCh38, 1-based): chr21:46,440,852, T>C. VCF-style: chr21-46440852-T-C. GRCh37 (hg19) VCF-style: chr21-47860765-T-C.
Other names: c.8803-3T>C (NM_001315529.2).
Identifiers: ClinVar variation 894866 (VCV000894866.46), dbSNP rs545618955, ClinGen allele CA10081324.

ClinVar aggregate classification (germline): Benign/Likely benign. Review status: criteria provided, multiple submitters, no conflicts (2 of 4 stars). 5 submissions from 5 submitters: Benign (1); Likely benign (3). 1 of the submissions does not count toward it. Last evaluated 2025-09-24.

Conditions:
PCNT-related disorder. Also called: PCNT-related condition.
Microcephalic osteodysplastic primordial dwarfism type II (MOPD2). Also called: MOPD II; OSTEODYSPLASTIC PRIMORDIAL DWARFISM, TYPE II; Microcephalic osteodysplastic primordial dwarfism with tooth abnormalities. Identifiers: MedGen C0432246, MONDO:0008872, OMIM 210720, Orphanet 2637.

Allele frequency attached by ClinVar (database versions not stated): gnomAD below 0.00001 and 0.00018; TOPMed 0.00004; gnomAD exomes 0.00029 and 0.00061; ExAC 0.00067; 1000 Genomes Project 30x 0.00094; 1000 Genomes Project 0.00120.
gnomAD v4.1: 457 of 1,583,698 alleles (0.029%); highest among the groups gnomAD compares: South Asian, 0.47%; 3 homozygotes.

Submissions (5):

Labcorp Genetics (formerly Invitae), Labcorp
Classification: Benign. Last evaluated: 2025-09-24. Review status: criteria provided, single submitter. Criteria: Invitae Variant Classification Sherloc (09022015). Collection method: clinical testing. Allele origin: germline.

Blueprint Genetics
Classification: Likely benign. Last evaluated: 2024-09-06. Review status: criteria provided, single submitter. Criteria: ACMG Guidelines, 2015. Collection method: clinical testing. Allele origin: germline.

CeGaT Center for Human Genetics Tuebingen
Classification: Likely benign. Last evaluated: 2021-04-01. Review status: criteria provided, single submitter. Criteria: CeGaT Center For Human Genetics Tuebingen Variant Classification Criteria Version 2. Collection method: clinical testing. Allele origin: germline. Affected: yes. Observed: 1 variant allele.

Illumina Laboratory Services, Illumina
Classification: Likely benign for Microcephalic osteodysplastic primordial dwarfism type II. Last evaluated: 2018-03-06. Review status: criteria provided, single submitter. Criteria: ICSL Variant Classification Criteria 13 December 2019. Collection method: clinical testing. Allele origin: germline.
Comment: This variant was observed in the ICSL laboratory as part of a predisposition screen in an ostensibly healthy population. It had not been previously curated by ICSL or reported in the Human Gene Mutation Database (HGMD: prior to June 1st, 2018), and was therefore a candidate for classification through an automated scoring system. Utilizing variant allele frequency, disease prevalence and penetrance estimates, and inheritance mode, an automated score was calculated to assess if this variant is too frequent to cause the disease. Based on the score and internal cut-off values, a variant classified as likely benign is not then subjected to further curation. The score for this variant resulted in a classification of likely benign for this disease.

PreventionGenetics, part of Exact Sciences
Classification: Likely benign for PCNT-related condition. Last evaluated: 2021-12-20. Review status: no assertion criteria provided. Collection method: clinical testing. Allele origin: germline. Not counted in ClinVar's aggregate classification.
Comment: This variant is classified as likely benign based on ACMG/AMP sequence variant interpretation guidelines (Richards et al. 2015 PMID: 25741868, with internal and published modifications).